The following is an entry in ClinVar:

NM_000492.4(CFTR):c.3803A>G (p.Gln1268Arg)

Genes: CFTR (CF transmembrane conductance regulator; plus strand), CFTR-AS2 (CFTR antisense RNA 2; minus strand). Cytogenetic location: 7q31.2.
Variant type: single nucleotide variant.
Coding change: c.3803A>G on transcript NM_000492.4 (MANE Select); coding-DNA position 3803, A replaced by G.
Protein change: p.Gln1268Arg; replaces glutamine 1268 with arginine.
Molecular consequence: missense variant.
Genome position (GRCh38, 1-based): chr7:117,642,523, A>G. VCF-style: chr7-117642523-A-G. GRCh37 (hg19) VCF-style: chr7-117282577-A-G.
Other names: short protein forms Q1268R.
Identifiers: ClinVar variation 632764 (VCV000632764.3), dbSNP rs766370233, ClinGen allele CA4451547.

ClinVar aggregate classification (germline): Uncertain significance. Review status: criteria provided, multiple submitters, no conflicts (2 of 4 stars). 2 submissions from 2 submitters: Uncertain significance (2). Last evaluated 2022-10-07.

Conditions:
Cystic fibrosis (CF). Also called: MUCOVISCIDOSIS. Identifiers: Orphanet 586, MedGen C0010674, MONDO:0009061, OMIM 219700. Disease mechanism: loss of function.

Allele frequency attached by ClinVar (database versions not stated): gnomAD exomes below 0.00001 and 0.00001; ExAC 0.00002.
gnomAD v4.1: 1 of 1,613,674 alleles (0.000062%); highest among the groups gnomAD compares: Non-Finnish European, 0.000085%; no homozygotes.

Submissions (2):

Labcorp Genetics (formerly Invitae), Labcorp
Classification: Uncertain significance for Cystic fibrosis. Last evaluated: 2022-10-07. Review status: criteria provided, single submitter. Criteria: Invitae Variant Classification Sherloc (09022015). Collection method: clinical testing. Allele origin: germline.
Comment: In summary, the available evidence is currently insufficient to determine the role of this variant in disease. Therefore, it has been classified as a Variant of Uncertain Significance. Advanced modeling of protein sequence and biophysical properties (such as structural, functional, and spatial information, amino acid conservation, physicochemical variation, residue mobility, and thermodynamic stability) performed at Invitae indicates that this missense variant is not expected to disrupt CFTR protein function. ClinVar contains an entry for this variant (Variation ID: 632764). This variant has not been reported in the literature in individuals affected with CFTR-related conditions. This variant is present in population databases (rs766370233, gnomAD 0.002%). This sequence change replaces glutamine, which is neutral and polar, with arginine, which is basic and polar, at codon 1268 of the CFTR protein (p.Gln1268Arg).

Women's Health and Genetics/Laboratory Corporation of America, LabCorp
Classification: Uncertain significance. Last evaluated: 2018-06-25. Review status: criteria provided, single submitter. Criteria: LabCorp Variant Classification Summary - May 2015. Collection method: clinical testing. Allele origin: germline.
Comment: Variant summary: CFTR c.3803A>G (p.Gln1268Arg) results in a conservative amino acid change located in the ABC transporter-like (IPR003439) and AAA+ ATPase domain (IPR003593) of the encoded protein sequence. Five of five in-silico tools predict a benign effect of the variant on protein function. The variant allele was found at a frequency of 8.1e-06 in 245754 control chromosomes (gnomAD). The available data on variant occurrences in the general population are insufficient to allow any conclusion about variant significance. The variant, c.3803A>G, has been reported in the literature in a carrier screen study (Picci_2010). This report does not provide unequivocal conclusions about association of the variant with Cystic Fibrosis. To our knowledge, no experimental evidence demonstrating an impact on protein function has been reported. No clinical diagnostic laboratories have submitted clinical-significance assessments for this variant to ClinVar after 2014. Based on the evidence outlined above, the variant was classified as uncertain significance.

Literature cited by the submitters: PubMed 19897426 (cited by Women's Health and Genetics/Laboratory Corporation of America, LabCorp).